The following is an entry in ClinVar:

NM_004281.4(BAG3):c.212G>A (p.Arg71Gln)

Gene: BAG3 (BAG cochaperone 3; plus strand). Cytogenetic location: 10q26.11.
Variant type: single nucleotide variant.
Coding change: c.212G>A on transcript NM_004281.4 (MANE Select); coding-DNA position 212, G replaced by A.
Protein change: p.Arg71Gln; replaces arginine 71 with glutamine.
Molecular consequence: missense variant.
Genome position (GRCh38, 1-based): chr10:119,669,882, G>A. VCF-style: chr10-119669882-G-A. GRCh37 (hg19) VCF-style: chr10-121429394-G-A.
Other names: p.R71Q:CGG>CAG; short protein forms R71Q.
Identifiers: ClinVar variation 44780 (VCV000044780.52), dbSNP rs35434411, ClinGen allele CA282461.

ClinVar aggregate classification (germline): Benign/Likely benign. Review status: criteria provided, multiple submitters, no conflicts (2 of 4 stars). 21 submissions from 20 submitters: Benign (14); Likely benign (3). 4 of the submissions do not count toward it. Last evaluated 2026-02-04.

Conditions:
Cardiovascular phenotype. Identifiers: MedGen CN230736.
Myofibrillar myopathy 6. Identifiers: Orphanet 199340, MedGen C2751831, MONDO:0013061, OMIM 612954.
Dilated cardiomyopathy 1HH (CMD1HH). Identifiers: Orphanet 154, MedGen C3151293, MONDO:0013479, OMIM 613881.
Cardiomyopathy (CMYO). Also called: Cardiomyopathies. Identifiers: Orphanet 167848, MedGen C0878544, MONDO:0004994, HP:0001638. Inheritance: Various modes of inheritance.

Allele frequency attached by ClinVar (database versions not stated): 1000 Genomes Project 30x 0.00656; 1000 Genomes Project 0.00739; TOPMed 0.01846; ESP Exome Variant Server 0.02299.

Submissions 1 to 24 of 123:

Labcorp Genetics (formerly Invitae), Labcorp
Classification: Benign for Dilated cardiomyopathy 1HH; Myofibrillar myopathy 6. Last evaluated: 2026-02-04. Review status: criteria provided, single submitter. Criteria: Invitae Variant Classification Sherloc (09022015). Collection method: clinical testing. Allele origin: germline.

ARUP Laboratories, Molecular Genetics and Genomics, ARUP Laboratories
Classification: Benign. Last evaluated: 2025-07-23. Review status: criteria provided, single submitter. Criteria: ARUP Molecular Germline Variant Investigation Process 2024. Collection method: clinical testing. Allele origin: germline.

Molecular Diagnostic Laboratory for Inherited Cardiovascular Disease, Montreal Heart Institute
Classification: Likely benign. Last evaluated: 2025-04-08. Review status: criteria provided, single submitter. Criteria: ACMG Guidelines, 2015. Collection method: clinical testing. Allele origin: germline. Affected: no.
Comment: BS1;BP4;BP6

Blueprint Genetics
Classification: Benign. Last evaluated: 2024-11-27. Review status: criteria provided, single submitter. Criteria: ACMG Guidelines, 2015. Collection method: clinical testing. Allele origin: germline.

Mayo Clinic Laboratories, Mayo Clinic
Classification: Benign. Last evaluated: 2023-04-18. Review status: criteria provided, single submitter. Criteria: ACMG Guidelines, 2015. Collection method: clinical testing. Allele origin: germline. Observed: 151 variant alleles.
Comment: BS1, BS2, BP4

CHEO Genetics Diagnostic Laboratory, Children's Hospital of Eastern Ontario
Classification: Benign for Cardiomyopathy. Last evaluated: 2022-11-14. Review status: criteria provided, single submitter. Criteria: ACMG Guidelines, 2015. Collection method: clinical testing. Allele origin: germline.

Illumina Laboratory Services, Illumina
Classification: Benign for Myofibrillar myopathy 6. Last evaluated: 2018-01-13. Review status: criteria provided, single submitter. Criteria: ICSL Variant Classification Criteria 13 December 2019. Collection method: clinical testing. Allele origin: germline.
Comment: This variant was observed in the ICSL laboratory as part of a predisposition screen in an ostensibly healthy population. It had not been previously curated by ICSL or reported in the Human Gene Mutation Database (HGMD: prior to June 1st, 2018), and was therefore a candidate for classification through an automated scoring system. Utilizing variant allele frequency, disease prevalence and penetrance estimates, and inheritance mode, an automated score was calculated to assess if this variant is too frequent to cause the disease. Based on the score and internal cut-off values, a variant classified as benign is not then subjected to further curation. The score for this variant resulted in a classification of benign for this disease.

Illumina Laboratory Services, Illumina
Classification: Likely benign for Dilated cardiomyopathy 1HH. Last evaluated: 2018-01-13. Review status: criteria provided, single submitter. Criteria: ICSL Variant Classification Criteria 13 December 2019. Collection method: clinical testing. Allele origin: germline.
Comment: This variant was observed in the ICSL laboratory as part of a predisposition screen in an ostensibly healthy population. It had not been previously curated by ICSL or reported in the Human Gene Mutation Database (HGMD: prior to June 1st, 2018), and was therefore a candidate for classification through an automated scoring system. Utilizing variant allele frequency, disease prevalence and penetrance estimates, and inheritance mode, an automated score was calculated to assess if this variant is too frequent to cause the disease. Based on the score and internal cut-off values, a variant classified as likely benign is not then subjected to further curation. The score for this variant resulted in a classification of likely benign for this disease.

Eurofins Ntd Llc (ga)
Classification: Benign. Last evaluated: 2017-12-11. Review status: criteria provided, single submitter. Criteria: EGL Classification Definitions 2015. Collection method: clinical testing. Allele origin: germline. Observed: 1 variant allele, 1 heterozygote.

Women's Health and Genetics/Laboratory Corporation of America, LabCorp
Classification: Benign. Last evaluated: 2017-08-16. Review status: criteria provided, single submitter. Criteria: LabCorp Variant Classification Summary - May 2015. Collection method: clinical testing. Allele origin: germline.
Comment: Variant summary: The BAG3 c.212G>A (p.Arg71Gln) variant involves the alteration of a non-conserved nucleotide. 4/4 in silico tools predict a benign outcome for this variant (SNPsandGO not captured due to low reliability index). This variant was found in 2442/121378 control chromosomes (35 homozygotes) at a frequency of 0.020119, which is approximately 515 times the estimated maximal expected allele frequency of a pathogenic BAG3 variant (0.0000391), suggesting this variant is likely a benign polymorphism. In addition, multiple clinical diagnostic laboratories/reputable databases in ClinVar have classified this variant as benign. To our knowledge, this variant t has not been reported in affected individuals via publications, nor has it been evaluated for functional impact by in vivo/vitro studies. Taken together, this variant is classified as benign.

Athena Diagnostics
Classification: Benign for Myofibrillar myopathy 6. Last evaluated: 2017-06-02. Review status: criteria provided, single submitter. Criteria: Athena Diagnostics Criteria. Collection method: clinical testing. Allele origin: germline.

Ambry Genetics
Classification: Benign for Cardiovascular phenotype. Last evaluated: 2015-06-19. Review status: criteria provided, single submitter. Criteria: Ambry Variant Classification Scheme 2023. Collection method: clinical testing. Allele origin: germline.

GeneDx
Classification: Benign. Last evaluated: 2014-01-22. Review status: criteria provided, single submitter. Criteria: GeneDx Variant Classification (06012015). Collection method: clinical testing. Allele origin: germline. Affected: yes.
Comment: This variant is considered likely benign or benign based on one or more of the following criteria: it is a conservative change, it occurs at a poorly conserved position in the protein, it is predicted to be benign by multiple in silico algorithms, and/or has population frequency not consistent with disease.

Biesecker Lab/Clinical Genomics Section, National Institutes of Health
Classification: Benign. Last evaluated: 2013-06-24. Review status: criteria provided, single submitter. Criteria: Ng et al. (Circ Cardiovasc Genet. 2013). Collection method: research. Allele origin: unknown. Observed: 48 variant alleles. Study: ClinSeq.
Comment: The study set was not selected for affection status in relation to any cancer. Pathogenicity categories were based on literature curation. See Pubmed ID:23861362 for details.

Medical sequencing

Laboratory for Molecular Medicine, Mass General Brigham Personalized Medicine
Classification: Benign. Last evaluated: 2012-03-19. Review status: criteria provided, single submitter. Criteria: LMM Criteria. Collection method: clinical testing. Allele origin: germline. Observed: 72 variant alleles.
Comment: p.Arg71Gln in Exon 02 of BAG3: This variant is not expected to have clinical sig nificance because it has been identified in 3.4% (237/7020) of European American chromosomes from a broad population by the NHLBI Exome Sequencing Project (dbSNP rs35434411).

Breakthrough Genomics
Classification: Likely benign. Review status: criteria provided, single submitter. Criteria: ACMG Guidelines, 2015. Collection method: not provided. Allele origin: germline. Inheritance: Autosomal dominant inheritance. Affected: yes.

PreventionGenetics, part of Exact Sciences
Classification: Benign. Review status: criteria provided, single submitter. Criteria: ACMG Guidelines, 2015. Collection method: clinical testing. Allele origin: germline.

Clinical Genetics, Academic Medical Center
Classification: Benign. Review status: no assertion criteria provided. Collection method: clinical testing. Allele origin: germline. Affected: yes. Study: VKGL Data-share Consensus. Not counted in ClinVar's aggregate classification.

Diagnostic Laboratory, Department of Genetics, University Medical Center Groningen
Classification: Likely benign. Review status: no assertion criteria provided. Collection method: clinical testing. Allele origin: germline. Affected: yes. Study: VKGL Data-share Consensus. Not counted in ClinVar's aggregate classification.

Dr. Peter K. Rogan Lab, Western University
No classification provided (evidence only). Condition: Lung cancer. Review status: no classification provided. Collection method: in vitro. Allele origin: not applicable. Functional consequence: retained intron. Not counted in ClinVar's aggregate classification.

Dr. Peter K. Rogan Lab, Western University
No classification provided (evidence only). Condition: Lung cancer. Review status: no classification provided. Collection method: in vitro. Allele origin: not applicable. Functional consequence: retained intron. Not counted in ClinVar's aggregate classification.

Dr. Peter K. Rogan Lab, Western University
No classification provided (evidence only). Condition: Lung cancer. Review status: no classification provided. Collection method: in vitro. Allele origin: not applicable. Functional consequence: retained intron. Not counted in ClinVar's aggregate classification.

Dr. Peter K. Rogan Lab, Western University
No classification provided (evidence only). Condition: Lung cancer. Review status: no classification provided. Collection method: in vitro. Allele origin: not applicable. Functional consequence: skipped exon, retained intron. Not counted in ClinVar's aggregate classification.

Dr. Peter K. Rogan Lab, Western University
No classification provided (evidence only). Condition: Lung cancer. Review status: no classification provided. Collection method: in vitro. Allele origin: not applicable. Functional consequence: retained intron. Not counted in ClinVar's aggregate classification.